The following is an entry in ClinVar:

ClinVar aggregate classification (germline): Uncertain significance. Review status: criteria provided, multiple submitters, no conflicts (2 of 4 stars). 3 submissions from 3 submitters: Uncertain significance (2). 1 of the submissions does not count toward it. Last evaluated 2025-11-11.

Conditions:
MAGEL2-related disorder. Also called: MAGEL2-related condition.
Inborn genetic diseases. Identifiers: MedGen C0950123, MeSH D030342.

Allele frequency attached by ClinVar (database versions not stated): ExAC 0.00001; gnomAD exomes 0.00001; gnomAD 0.00002; TOPMed 0.00002; ESP Exome Variant Server 0.00016.
gnomAD v4.1: 21 of 1,613,858 alleles (0.0013%); highest among the groups gnomAD compares: Non-Finnish European, 0.0017%; no homozygotes.

Submissions (3):

Ambry Genetics
Classification: Uncertain significance for Inborn genetic diseases. Last evaluated: 2025-11-11. Review status: criteria provided, single submitter. Criteria: Ambry Variant Classification Scheme 2023. Collection method: clinical testing. Allele origin: germline.

Labcorp Genetics (formerly Invitae), Labcorp
Classification: Uncertain significance. Last evaluated: 2023-08-17. Review status: criteria provided, single submitter. Criteria: Invitae Variant Classification Sherloc (09022015). Collection method: clinical testing. Allele origin: germline.
Comment: In summary, the available evidence is currently insufficient to determine the role of this variant in disease. Therefore, it has been classified as a Variant of Uncertain Significance. Advanced modeling of protein sequence and biophysical properties (such as structural, functional, and spatial information, amino acid conservation, physicochemical variation, residue mobility, and thermodynamic stability) performed at Invitae indicates that this missense variant is not expected to disrupt MAGEL2 protein function. This variant has not been reported in the literature in individuals affected with MAGEL2-related conditions. This variant is present in population databases (rs367622774, gnomAD 0.002%). This sequence change replaces alanine, which is neutral and non-polar, with valine, which is neutral and non-polar, at codon 764 of the MAGEL2 protein (p.Ala764Val).

PreventionGenetics, part of Exact Sciences
Classification: Uncertain significance for MAGEL2-related condition. Last evaluated: 2024-03-30. Review status: no assertion criteria provided. Collection method: clinical testing. Allele origin: germline. Not counted in ClinVar's aggregate classification.
Comment: The MAGEL2 c.2291C>T variant is predicted to result in the amino acid substitution p.Ala764Val. To our knowledge, this variant has not been reported in the literature. This variant is reported in 0.0023% of alleles in individuals of European (Non-Finnish) descent in gnomAD. At this time, the clinical significance of this variant is uncertain due to the absence of conclusive functional and genetic evidence.

NM_019066.5(MAGEL2):c.2291C>T (p.Ala764Val)

Gene: MAGEL2 (MAGE family member L2; minus strand). Cytogenetic location: 15q11.2.
Variant type: single nucleotide variant.
Coding change: c.2291C>T on transcript NM_019066.5 (MANE Select); coding-DNA position 2291, C replaced by T.
Protein change: p.Ala764Val; replaces alanine 764 with valine.
Molecular consequence: missense variant.
Genome position (GRCh38, 1-based): chr15:23,645,452, G>A on the plus strand (C>T on the coding strand, the complement: MAGEL2 is on the minus strand). VCF-style: chr15-23645452-G-A. GRCh37 (hg19) VCF-style: chr15-23890599-G-A.
Other names: c.2291C>T (NM_019066.4); short protein forms A764V.
Identifiers: ClinVar variation 3022882 (VCV003022882.5), dbSNP rs367622774, ClinGen allele CA7429921.